The following is an entry in ClinVar:

NM_005267.5(GJA8):c.98G>A (p.Arg33Gln)

Gene: GJA8 (gap junction protein alpha 8; plus strand). Cytogenetic location: 1q21.2.
Variant type: single nucleotide variant.
Coding change: c.98G>A on transcript NM_005267.5 (MANE Select); coding-DNA position 98, G replaced by A.
Protein change: p.Arg33Gln; replaces arginine 33 with glutamine.
Molecular consequence: missense variant.
Genome position (GRCh38, 1-based): chr1:147,908,053, G>A. VCF-style: chr1-147908053-G-A. GRCh37 (hg19) VCF-style: chr1-147380180-G-A.
Other names: short protein forms R33Q.
Identifiers: ClinVar variation 3383541 (VCV003383541.1).

ClinVar aggregate classification (germline): Uncertain significance (1 of 4 stars; one submission).

Submission:

GeneDx
Classification: Uncertain significance. Last evaluated: 2024-05-17. Review status: criteria provided, single submitter. Criteria: GeneDx Variant Classification Process June 2021. Collection method: clinical testing. Allele origin: germline. Affected: yes.
Comment: In silico analysis supports that this missense variant has a deleterious effect on protein structure/function; Has not been previously published as pathogenic or benign to our knowledge; In silico analysis suggests this variant may impact gene splicing. In the absence of RNA/functional studies, the actual effect of this sequence change is unknown.